The following is an entry in ClinVar:

NC_000008.11:g.(?_115586981)_(115587624_?)del

Gene: TRPS1 (transcriptional repressor GATA binding 1; minus strand). Cytogenetic location: 8q23.3.
Variant type: Deletion.
Identifiers: ClinVar variation 831201 (VCV000831201.8).

ClinVar aggregate classification (germline): Pathogenic (1 of 4 stars; one submission).

Conditions:
Trichorhinophalangeal syndrome, type III (TRPS3). Also called: SUGIO-KAJII SYNDROME. Identifiers: Orphanet 77258, MedGen C1860823, OMIM 190351, MONDO:0008597.
Trichorhinophalangeal dysplasia type I (TRPS1). Also called: TRICHORHINOPHALANGEAL SYNDROME, TYPE I; TRPS I. Identifiers: Orphanet 77258, MedGen C0432233, MONDO:0008596, OMIM 190350.

Submission:

Labcorp Genetics (formerly Invitae), Labcorp
Classification: Pathogenic for Trichorhinophalangeal syndrome, type III; Trichorhinophalangeal dysplasia type I. Last evaluated: 2023-08-04. Review status: criteria provided, single submitter. Criteria: Invitae Variant Classification Sherloc (09022015). Collection method: clinical testing. Allele origin: germline.
Comment: This variant is a gross deletion of the genomic region encompassing exon(s) 5 of the TRPS1 gene. This deletion is out-of-frame, and is expected to create a premature termination codon and result in an absent or disrupted protein product. Loss-of-function variants in TRPS1 are known to be pathogenic (PMID: 11112658). A similar copy number variant has been observed in individuals with trichorhinophalangeal syndrome (PMID: 21850686, 25792522). For these reasons, this variant has been classified as Pathogenic.

Literature cited by the submitters: PubMed 11112658; PubMed 21850686; PubMed 25792522.